The following is an entry in ClinVar:

ClinVar aggregate classification (germline): Uncertain significance (1 of 4 stars; one submission).

Submission:

Quest Diagnostics Nichols Institute San Juan Capistrano
Classification: Uncertain significance. Last evaluated: 2023-06-13. Review status: criteria provided, single submitter. Criteria: Quest Diagnostics criteria. Collection method: clinical testing. Allele origin: unknown.
Comment: To the best of our knowledge, this variant has not been reported in individuals with PCSK9-related conditions in the published literature. The frequency of this variant in the general population, 0.000004 (1/251328 chromosomes (Genome Aggregation Database)), is uninformative in the assessment of its pathogenicity. Analysis of this variant using bioinformatics tools for the prediction of the effect of amino acid changes on protein structure and function yielded predictions that this variant is damaging. Based on the available information, we are unable to determine the clinical significance of this variant.

NM_174936.4(PCSK9):c.311G>T (p.Arg104Leu)

Gene: PCSK9 (proprotein convertase subtilisin/kexin type 9; plus strand). Cytogenetic location: 1p32.3.
Variant type: single nucleotide variant.
Coding change: c.311G>T on transcript NM_174936.4 (MANE Select); coding-DNA position 311, G replaced by T.
Protein change: p.Arg104Leu; replaces arginine 104 with leucine.
Molecular consequence: missense variant. On other transcripts: 5 prime UTR variant (1), non-coding transcript variant (6), intron variant (1).
Genome position (GRCh38, 1-based): chr1:55,043,946, G>T. VCF-style: chr1-55043946-G-T. GRCh37 (hg19) VCF-style: chr1-55509619-G-T.
Other names: c.434G>T, p.Arg145Leu (NM_001407240.1); c.311G>T, p.Arg104Leu (NM_001407241.1, NM_001407242.1, NM_001407243.1 and 2 more transcripts); c.-65G>T (NM_001407246.1); c.208-2577G>T (NM_001407245.1); short protein forms R104L, R145L.
Identifiers: ClinVar variation 2682040 (VCV002682040.1), dbSNP rs72658890, ClinGen allele CA041422.
Genomic context (GRCh38, chr1:55,043,946, plus strand): 5'-AGGAGACCCACCTCTCGCAGTCAGAGCGCACTGCCCGCCGCCTGCAGGCCCAGGCTGCCC[G>T]CCGGGGATACCTCACCAAGATCCTGCATGTCTTCCATGGCCTTCTTCCTGGCTTCCTGGT-3'
Protein context (NP_777596.2, residues 94-114): TARRLQAQAA[Arg104Leu]RGYLTKILHV